The following is an entry in ClinVar:

NM_006648.4(WNK2):c.626T>C (p.Val209Ala)

Gene: WNK2 (WNK lysine deficient protein kinase 2; plus strand). Cytogenetic location: 9q22.31.
Variant type: single nucleotide variant.
Coding change: c.626T>C on transcript NM_006648.4 (MANE Select); coding-DNA position 626, T replaced by C.
Protein change: p.Val209Ala; replaces valine 209 with alanine.
Molecular consequence: missense variant.
Genome position (GRCh38, 1-based): chr9:93,185,555, T>C. VCF-style: chr9-93185555-T-C. GRCh37 (hg19) VCF-style: chr9-95947837-T-C.
Other names: c.626T>C, p.Val209Ala (NM_001282394.3); short protein forms V209A.
Identifiers: ClinVar variation 4605305 (VCV004605305.1).

ClinVar aggregate classification (germline): Uncertain significance (1 of 4 stars; one submission).

Submission:

Ambry Genetics
Classification: Uncertain significance. Last evaluated: 2025-10-27. Review status: criteria provided, single submitter. Criteria: Ambry Variant Classification Scheme 2023. Collection method: clinical testing. Allele origin: germline.
Comment: The p.V209A variant (also known as c.626T>C), located in coding exon 1 of the WNK2 gene, results from a T to C substitution at nucleotide position 626. The valine at codon 209 is replaced by alanine, an amino acid with similar properties. This amino acid position is conserved. In addition, this alteration is predicted to be deleterious by in silico analysis. Based on the available evidence, the clinical significance of this variant remains unclear.